The following is an entry in ClinVar:

ClinVar aggregate classification (germline): Uncertain significance. Review status: criteria provided, multiple submitters, no conflicts (2 of 4 stars). 2 submissions from 2 submitters: Uncertain significance (2). Last evaluated 2025-10-28.

Conditions:
Familial adenomatous polyposis 1 (FAP1). Also called: POLYPOSIS, ADENOMATOUS INTESTINAL; FAMILIAL ADENOMATOUS POLYPOSIS 1, ATTENUATED. Identifiers: MedGen C2713442, MONDO:0021056, OMIM 175100. Disease mechanism: loss of function.
Hereditary cancer-predisposing syndrome. Also called: Hereditary neoplastic syndrome; Neoplastic Syndromes, Hereditary; Tumor predisposition; Hereditary Cancer Syndrome. Identifiers: Orphanet 140162, MedGen C0027672, MeSH D009386, MONDO:0015356.

Allele frequency attached by ClinVar (database versions not stated): gnomAD exomes below 0.00001; TOPMed below 0.00001; gnomAD 0.00001.

Submissions (2):

Ambry Genetics
Classification: Uncertain significance for Hereditary cancer-predisposing syndrome. Last evaluated: 2025-10-28. Review status: criteria provided, single submitter. Criteria: Ambry Variant Classification Scheme 2023. Collection method: clinical testing. Allele origin: germline.
Comment: The p.H250Y variant (also known as c.748C>T), located in coding exon 7 of the APC gene, results from a C to T substitution at nucleotide position 748. The histidine at codon 250 is replaced by tyrosine, an amino acid with similar properties. This amino acid position is well conserved in available vertebrate species. In addition, in silico predictors for this gene do not accurately predict pathogenicity. Missense alterations in APC are not a common cause of disease (Spier I et al. Genet Med. 2024 Feb;26(2):100992). Based on the available evidence, the clinical significance of this variant remains unclear.

Labcorp Genetics (formerly Invitae), Labcorp
Classification: Uncertain significance for Familial adenomatous polyposis 1. Last evaluated: 2025-09-08. Review status: criteria provided, single submitter. Criteria: Invitae Variant Classification Sherloc (09022015). Collection method: clinical testing. Allele origin: germline.
Comment: This sequence change replaces histidine, which is basic and polar, with tyrosine, which is neutral and polar, at codon 250 of the APC protein (p.His250Tyr). This variant is not present in population databases (gnomAD no frequency). This variant has not been reported in the literature in individuals affected with APC-related conditions. ClinVar contains an entry for this variant (Variation ID: 470093). Invitae Evidence Modeling of protein sequence and biophysical properties (such as structural, functional, and spatial information, amino acid conservation, physicochemical variation, residue mobility, and thermodynamic stability) indicates that this missense variant is not expected to disrupt APC protein function with a negative predictive value of 95%. In summary, the available evidence is currently insufficient to determine the role of this variant in disease. Therefore, it has been classified as a Variant of Uncertain Significance.

NM_000038.6(APC):c.748C>T (p.His250Tyr)

Gene: APC (APC regulator of Wnt signaling pathway; plus strand). Cytogenetic location: 5q22.2.
Variant type: single nucleotide variant.
Coding change: c.748C>T on transcript NM_000038.6 (MANE Select); coding-DNA position 748, C replaced by T.
Protein change: p.His250Tyr; replaces histidine 250 with tyrosine.
Molecular consequence: missense variant. On other transcripts: 5 prime UTR variant (1).
Genome position (GRCh38, 1-based): chr5:112,801,297, C>T. VCF-style: chr5-112801297-C-T. GRCh37 (hg19) VCF-style: chr5-112136994-C-T.
Other names: c.748C>T, p.His250Tyr (NM_001127510.3, NM_001354895.2, NM_001354896.2 and 1 more transcripts); c.694C>T, p.His232Tyr (NM_001127511.3); c.778C>T, p.His260Tyr (NM_001354897.2, NM_001354902.2); c.673C>T, p.His225Tyr (NM_001354898.2, NM_001354904.2); c.664C>T, p.His222Tyr (NM_001354899.2); c.571C>T, p.His191Tyr (NM_001354900.2, NM_001354901.2, NM_001354905.2); c.-288C>T (NM_001354906.2); short protein forms H232Y, H250Y, H222Y, H191Y, H225Y, H260Y.
Identifiers: ClinVar variation 470093 (VCV000470093.12), dbSNP rs1554076141, ClinGen allele CA16022969.